The following is an entry in ClinVar:

NM_003611.3(OFD1):c.1743C>A (p.Cys581Ter)

Gene: OFD1 (OFD1 centriole and centriolar satellite protein; plus strand). Cytogenetic location: Xp22.2.
Variant type: single nucleotide variant.
Coding change: c.1743C>A on transcript NM_003611.3 (MANE Select); coding-DNA position 1743, C replaced by A.
Protein change: p.Cys581Ter; replaces cysteine 581 with a stop codon.
Molecular consequence: nonsense.
Genome position (GRCh38, 1-based): chrX:13,760,203, C>A. VCF-style: chrX-13760203-C-A. GRCh37 (hg19) VCF-style: chrX-13778322-C-A.
Other names: c.1623C>A, p.Cys541Ter (NM_001330209.2); c.1323C>A, p.Cys441Ter (NM_001330210.2); short protein forms C441*, C541*, C581*.
Identifiers: ClinVar variation 2127963 (VCV002127963.4), dbSNP rs983722470, ClinGen allele CA412343725.

ClinVar aggregate classification (germline): Pathogenic (1 of 4 stars; one submission).

Conditions:
Joubert syndrome. Also called: CEREBELLOPARENCHYMAL DISORDER IV; JOUBERT-BOLTSHAUSER SYNDROME; Familial aplasia of the vermis. Identifiers: Orphanet 475, MedGen C5979921, MONDO:0018772.
Orofaciodigital syndrome I (OFD1). Also called: OFDS I; Papillon-Leage and Psaume Syndrome; Oral-Facial-Digital Syndrome Type I. Identifiers: Orphanet 2750, MedGen C1510460, MONDO:0010702, OMIM 311200.

Submission:

Labcorp Genetics (formerly Invitae), Labcorp
Classification: Pathogenic for Orofaciodigital syndrome I; Joubert syndrome. Last evaluated: 2022-04-19. Review status: criteria provided, single submitter. Criteria: Invitae Variant Classification Sherloc (09022015). Collection method: clinical testing. Allele origin: germline.
Comment: For these reasons, this variant has been classified as Pathogenic. This variant has not been reported in the literature in individuals affected with OFD1-related conditions. This variant is not present in population databases (gnomAD no frequency). This sequence change creates a premature translational stop signal (p.Cys581*) in the OFD1 gene. It is expected to result in an absent or disrupted protein product. Loss-of-function variants in OFD1 are known to be pathogenic (PMID: 16783569, 18546297, 27081566).

Literature cited by the submitters: PubMed 16783569; PubMed 18546297; PubMed 27081566.